The following is an entry in ClinVar:

ClinVar aggregate classification (germline): Uncertain significance (1 of 4 stars; one submission).

Conditions:
Arrhythmogenic right ventricular cardiomyopathy (ARVD). Also called: Arrhythmogenic right ventricular dysplasia; Cardiomyopathy, ARVC; Arrhythmogenic cardiomyopathy; Arrhythmogenic Right Ventricular Cardiomyopathy (ARVC). Identifiers: Orphanet 247, MedGen C0349788, MeSH D019571, MONDO:0016587. Disease mechanism: loss of function. Inheritance: Various modes of inheritance.

Allele frequency attached by ClinVar (database versions not stated): gnomAD exomes below 0.00001.

Submission:

All of Us Research Program, National Institutes of Health
Classification: Uncertain significance for Arrhythmogenic right ventricular cardiomyopathy. Last evaluated: 2023-05-15. Review status: criteria provided, single submitter. Criteria: ACMG Guidelines, 2015. Collection method: clinical testing. Allele origin: germline. Inheritance: Autosomal dominant inheritance. Observed: 1 variant allele, 1 heterozygote.
Comment: This missense variant replaces proline with arginine at codon 497 of the DSG2 protein. Computational prediction suggests that this variant may have deleterious impact on protein structure and function (internally defined REVEL score threshold >= 0.7, PMID: 27666373). To our knowledge, functional studies have not been reported for this variant. This variant has not been reported in individuals affected with DSG2-related disorders in the literature. This variant has not been identified in the general population by the Genome Aggregation Database (gnomAD). The available evidence is insufficient to determine the role of this variant in disease conclusively. Therefore, this variant is classified as a Variant of Uncertain Significance.

This study involves interpretation of variants in research participants for the purpose of population health screening. Participant phenotype was not available at the time of variant classification. Additional details can be found in publication PMID: 35346344, PMCID: PMC8962531

NM_001943.5(DSG2):c.1490C>G (p.Pro497Arg)

Gene: DSG2 (desmoglein 2; plus strand). Cytogenetic location: 18q12.1.
Variant type: single nucleotide variant.
Coding change: c.1490C>G on transcript NM_001943.5 (MANE Select); coding-DNA position 1490, C replaced by G.
Protein change: p.Pro497Arg; replaces proline 497 with arginine.
Molecular consequence: missense variant.
Genome position (GRCh38, 1-based): chr18:31,536,268, C>G. VCF-style: chr18-31536268-C-G. GRCh37 (hg19) VCF-style: chr18-29116231-C-G.
Other names: short protein forms P497R.
Identifiers: ClinVar variation 3070959 (VCV003070959.1), dbSNP rs2510917832, ClinGen allele CA402141448.